The following is an entry in ClinVar:

ClinVar aggregate classification (germline): Uncertain significance (1 of 4 stars; one submission).

Conditions:
Dilated cardiomyopathy 1KK (CMD1KK). Identifiers: Orphanet 154, Orphanet 75249, MedGen C3714995, MONDO:0014100, OMIM 615248.

Submission:

Labcorp Genetics (formerly Invitae), Labcorp
Classification: Uncertain significance for Dilated cardiomyopathy 1KK. Last evaluated: 2020-11-03. Review status: criteria provided, single submitter. Criteria: Invitae Variant Classification Sherloc (09022015). Collection method: clinical testing. Allele origin: germline.
Comment: In summary, the available evidence is currently insufficient to determine the role of this variant in disease. Therefore, it has been classified as a Variant of Uncertain Significance. Algorithms developed to predict the effect of missense changes on protein structure and function output the following: SIFT: "Tolerated"; PolyPhen-2: "Benign"; Align-GVGD: "Class C0". The alanine amino acid residue is found in multiple mammalian species, suggesting that this missense change does not adversely affect protein function. These predictions have not been confirmed by published functional studies and their clinical significance is uncertain. This variant has not been reported in the literature in individuals with MYPN-related conditions. This variant is not present in population databases (ExAC no frequency). This sequence change replaces proline with alanine at codon 214 of the MYPN protein (p.Pro214Ala). The proline residue is moderately conserved and there is a small physicochemical difference between proline and alanine.

NM_032578.4(MYPN):c.640C>G (p.Pro214Ala)

Gene: MYPN (myopalladin; plus strand). Cytogenetic location: 10q21.3.
Variant type: single nucleotide variant.
Coding change: c.640C>G on transcript NM_032578.4 (MANE Select); coding-DNA position 640, C replaced by G.
Protein change: p.Pro214Ala; replaces proline 214 with alanine.
Molecular consequence: missense variant. On other transcripts: 5 prime UTR variant (1), non-coding transcript variant (1).
Genome position (GRCh38, 1-based): chr10:68,122,078, C>G. VCF-style: chr10-68122078-C-G. GRCh37 (hg19) VCF-style: chr10-69881835-C-G.
Other names: c.640C>G, p.Pro214Ala (NM_001256267.2); c.-483C>G (NM_001256268.2); short protein forms P214A.
Identifiers: ClinVar variation 1476099 (VCV001476099.8), dbSNP rs2133995680, ClinGen allele CA377104802.